The following is an entry in ClinVar:

ClinVar aggregate classification (germline): Likely benign (0 of 4 stars; one submission).

Conditions:
MRPS2-related disorder. Also called: MRPS2-related condition.

Allele frequency attached by ClinVar (database versions not stated): gnomAD 0.00001; ExAC 0.00002.

Submission:

PreventionGenetics, part of Exact Sciences
Classification: Likely benign for MRPS2-related condition. Last evaluated: 2023-10-27. Review status: no assertion criteria provided. Collection method: clinical testing. Allele origin: germline.
Comment: This variant is classified as likely benign based on ACMG/AMP sequence variant interpretation guidelines (Richards et al. 2015 PMID: 25741868, with internal and published modifications).

NM_016034.5(MRPS2):c.300-9C>T

Genes: MRPS2 (mitochondrial ribosomal protein S2; plus strand), LOC101928525 (uncharacterized LOC101928525; minus strand). Cytogenetic location: 9q34.3.
Variant type: single nucleotide variant.
Coding change: c.300-9C>T on transcript NM_016034.5 (MANE Select); 9 bases into the intron before coding-DNA position 300, C replaced by T.
Molecular consequence: intron variant. On other transcripts: non-coding transcript variant (1).
Genome position (GRCh38, 1-based): chr9:135,503,533, C>T. VCF-style: chr9-135503533-C-T. GRCh37 (hg19) VCF-style: chr9-138395379-C-T.
Other names: c.300-9C>T (NM_001371401.1).
Identifiers: ClinVar variation 3052588 (VCV003052588.2), dbSNP rs770947574, ClinGen allele CA5323899.